The following is an entry in ClinVar:

ClinVar aggregate classification (germline): Uncertain significance (1 of 4 stars; one submission).

Conditions:
Neurofibromatosis, type 1 (NF1). Also called: VON RECKLINGHAUSEN DISEASE; NEUROFIBROMATOSIS, TYPE I, SOMATIC; Peripheral type neurofibromatosis; Neurofibromatosis, type I. Identifiers: Orphanet 636, MedGen C0027831, MONDO:0018975, OMIM 162200. Disease mechanism: loss of function.

Submission:

Labcorp Genetics (formerly Invitae), Labcorp
Classification: Uncertain significance for Neurofibromatosis, type 1. Last evaluated: 2025-10-29. Review status: criteria provided, single submitter. Criteria: Invitae Variant Classification Sherloc (09022015). Collection method: clinical testing. Allele origin: germline.
Comment: This sequence change falls in intron 32 of the NF1 gene. It does not directly change the encoded amino acid sequence of the NF1 protein. It affects a nucleotide within the consensus splice site. This variant is not present in population databases (gnomAD no frequency). This variant has not been reported in the literature in individuals affected with NF1-related conditions. ClinVar contains an entry for this variant (Variation ID: 568299). Variants that disrupt the consensus splice site are a relatively common cause of aberrant splicing (PMID: 17576681, 9536098). Algorithms developed to predict the effect of sequence changes on RNA splicing suggest that this variant is not likely to affect RNA splicing. In summary, the available evidence is currently insufficient to determine the role of this variant in disease. Therefore, it has been classified as a Variant of Uncertain Significance.

Literature cited by the submitters: PubMed 17576681; PubMed 9536098.

NM_001042492.3(NF1):c.4430+6T>A

Gene: NF1 (neurofibromin 1; plus strand). Cytogenetic location: 17q11.2.
Variant type: single nucleotide variant.
Coding change: c.4430+6T>A on transcript NM_001042492.3 (MANE Select); 6 bases into the intron after coding-DNA position 4430, T replaced by A.
Molecular consequence: intron variant.
Genome position (GRCh38, 1-based): chr17:31,259,135, T>A. VCF-style: chr17-31259135-T-A. GRCh37 (hg19) VCF-style: chr17-29586153-T-A.
Other names: c.4367+6T>A (NM_000267.4).
Identifiers: ClinVar variation 568299 (VCV000568299.5), dbSNP rs1567862378, ClinGen allele CA891843824.